The following is an entry in ClinVar:

NM_001042492.3(NF1):c.109_111delinsAAA (p.Glu37Lys)

Gene: NF1 (neurofibromin 1; plus strand). Cytogenetic location: 17q11.2.
Variant type: Indel.
Coding change: c.109_111delinsAAA on transcript NM_001042492.3 (MANE Select); coding-DNA positions 109 to 111, GAG replaced by AAA.
Protein change: p.Glu37Lys; replaces glutamic acid 37 with lysine.
Molecular consequence: missense variant.
Genome position (GRCh38, 1-based): chr17:31,156,031-31,156,033, GAG replaced by AAA. VCF-style: chr17-31156031-GAG-AAA. GRCh37 (hg19) VCF-style: chr17-29483049-GAG-AAA.
Other names: c.109_111delGAGinsAAA, p.Glu37Lys (NM_000267.4); c.109_111delinsAAA, p.Glu37Lys (NM_001128147.3); c.109_111delGAGinsAAA (NM_000267.3); short protein forms E37K.
Identifiers: ClinVar variation 3404629 (VCV003404629.2).

ClinVar aggregate classification (germline): Uncertain significance. Review status: criteria provided, multiple submitters, no conflicts (2 of 4 stars). 2 submissions from 2 submitters: Uncertain significance (2). Last evaluated 2025-01-29.

Conditions:
Hereditary cancer-predisposing syndrome. Also called: Hereditary Cancer Syndrome; Tumor predisposition; Hereditary neoplastic syndrome; Neoplastic Syndromes, Hereditary. Identifiers: Orphanet 140162, MedGen C0027672, MeSH D009386, MONDO:0015356.
Cardiovascular phenotype. Identifiers: MedGen CN230736.

Submissions (2):

Quest Diagnostics Nichols Institute San Juan Capistrano
Classification: Uncertain significance. Last evaluated: 2025-01-29. Review status: criteria provided, single submitter. Criteria: Quest Diagnostics criteria. Collection method: clinical testing. Allele origin: unknown.

Ambry Genetics
Classification: Uncertain significance for Cardiovascular phenotype; Hereditary cancer-predisposing syndrome. Last evaluated: 2024-06-25. Review status: criteria provided, single submitter. Criteria: Ambry Variant Classification Scheme 2023. Collection method: clinical testing. Allele origin: germline.
Comment: The c.109_111delGAGinsAAA variant (also known as p.E37K), located in coding exon 2 of the NF1 gene, results from an in-frame deletion of GAG and insertion of AAA at nucleotide positions 109 to 111. This results in the substitution of the glutamic acid residue for a lysine residue at codon 37, an amino acid with similar properties. This amino acid position is highly conserved in available vertebrate species. In addition, this alteration is predicted to be neutral by in silico analysis (Choi Y et al. PLoS ONE. 2012; 7(10):e46688). Based on the available evidence, the clinical significance of this variant remains unclear.